The following is an entry in ClinVar:

ClinVar aggregate classification (germline): Uncertain significance. Review status: criteria provided, multiple submitters, no conflicts (2 of 4 stars). 2 submissions from 2 submitters: Uncertain significance (2). Last evaluated 2025-08-26.

Conditions:
Inborn genetic diseases. Identifiers: MedGen C0950123, MeSH D030342.

Submissions (2):

Labcorp Genetics (formerly Invitae), Labcorp
Classification: Uncertain significance. Last evaluated: 2025-08-26. Review status: criteria provided, single submitter. Criteria: Invitae Variant Classification Sherloc (09022015). Collection method: clinical testing. Allele origin: germline.
Comment: This sequence change replaces glycine, which is neutral and non-polar, with aspartic acid, which is acidic and polar, at codon 395 of the MBD4 protein (p.Gly395Asp). This variant is not present in population databases (gnomAD no frequency). This variant has not been reported in the literature in individuals affected with MBD4-related conditions. ClinVar contains an entry for this variant (Variation ID: 2698264). An algorithm developed to predict the effect of missense changes on protein structure and function (PolyPhen-2) suggests that this variant is likely to be tolerated. In summary, the available evidence is currently insufficient to determine the role of this variant in disease. Therefore, it has been classified as a Variant of Uncertain Significance.

Ambry Genetics
Classification: Uncertain significance for Inborn genetic diseases. Last evaluated: 2024-12-23. Review status: criteria provided, single submitter. Criteria: Ambry Variant Classification Scheme 2023. Collection method: clinical testing. Allele origin: germline.
Comment: The c.1183+1G>A intronic variant results from a G to A substitution one nucleotide after coding exon 3 of the MBD4 gene. Alterations that disrupt the canonical splice site are expected to result in aberrant splicing. In silico splice site analysis predicts that this alteration will weaken the native splice donor site, and will result in the creation or strengthening of a novel splice donor site. The resulting transcript is predicted to be in-frame and is not expected to trigger nonsense-mediated mRNAdecay; although, direct evidence is unavailable. This nucleotide position is poorly conserved in available vertebrate species. Based on the available evidence, the clinical significance of this variant remains unclear.

NM_001276270.2(MBD4):c.1183+1G>A

Gene: MBD4 (methyl-CpG binding domain 4, DNA glycosylase; minus strand). Cytogenetic location: 3q21.3.
Variant type: single nucleotide variant.
Coding change: c.1183+1G>A on transcript NM_001276270.2 (MANE Select); the canonical splice donor site of the intron after coding-DNA position 1183, G replaced by A.
Molecular consequence: splice donor variant. On other transcripts: missense variant (3), intron variant (1).
Genome position (GRCh38, 1-based): chr3:129,436,460, C>T on the plus strand (G>A on the coding strand, the complement: MBD4 is on the minus strand). VCF-style: chr3-129436460-C-T. GRCh37 (hg19) VCF-style: chr3-129155303-C-T.
Other names: c.1184G>A, p.Gly395Asp (NM_001276271.2, NM_001276272.2, NM_003925.3); c.247+1348G>A (NM_001276273.2); short protein forms G395D.
Identifiers: ClinVar variation 2698264 (VCV002698264.4), dbSNP rs2530717115, ClinGen allele CA354466362.